The following is an entry in ClinVar:

NM_178012.5(TUBB2B):c.584del (p.Asn195fs)

Gene: TUBB2B (tubulin beta 2B class IIb; minus strand). Cytogenetic location: 6p25.2.
Variant type: Deletion.
Coding change: c.584del on transcript NM_178012.5 (MANE Select); coding-DNA position 584, one base deleted (A; older notation c.584delA).
Protein change: p.Asn195fs; shifts the reading frame from asparagine 195.
Molecular consequence: frameshift variant.
Genome position (GRCh38, 1-based): chr6:3,225,505, T deleted on the plus strand (A on the coding strand, the reverse complement: TUBB2B is on the minus strand); the first of 4 consecutive T bases (chr6:3,225,505-3,225,508); deleting any one gives the same sequence. VCF-style (leftmost placement, unchanged base first): chr6-3225504-GT-G. GRCh37 (hg19) VCF-style: chr6-3225738-GT-G.
Other names: short protein forms N195fs.
Identifiers: ClinVar variation 4278656 (VCV004278656.1).

ClinVar aggregate classification (germline): Uncertain significance (1 of 4 stars; one submission).

Submission:

GeneDx
Classification: Uncertain significance. Last evaluated: 2025-04-03. Review status: criteria provided, single submitter. Criteria: GeneDx Variant Classification Process June 2021. Collection method: clinical testing. Allele origin: germline. Affected: yes.
Comment: Not observed at significant frequency in large population cohorts (gnomAD); Frameshift variant predicted to result in abnormal protein length as the last 251 amino acid(s) are replaced with 20 different amino acid(s); Has not been previously published as pathogenic or benign to our knowledge